The following is an entry in ClinVar:

NM_000133.4(F9):c.88+1G>T

Gene: F9 (coagulation factor IX; plus strand). Cytogenetic location: Xq27.1.
Variant type: single nucleotide variant.
Coding change: c.88+1G>T on transcript NM_000133.4 (MANE Select); the canonical splice donor site of the intron after coding-DNA position 88, G replaced by T.
Molecular consequence: splice donor variant.
Genome position (GRCh38, 1-based): chrX:139,530,853, G>T. VCF-style: chrX-139530853-G-T. GRCh37 (hg19) VCF-style: chrX-138613012-G-T.
Other names: c.88+1G>T (NM_001313913.2).
Identifiers: ClinVar variation 811508 (VCV000811508.8), dbSNP rs1603263397, ClinGen allele CA414434511.

ClinVar aggregate classification (germline): Pathogenic (1 of 4 stars; one submission).

Submission:

ARUP Laboratories, Molecular Genetics and Genomics, ARUP Laboratories
Classification: Pathogenic. Last evaluated: 2019-03-26. Review status: criteria provided, single submitter. Criteria: ARUP Molecular Germline Variant Investigation Process. Collection method: clinical testing. Allele origin: germline.
Comment: The F9 c.88+1G>T variant, is reported in the literature in several individuals affected with moderate to severe hemophilia B (Factor IX database and references therein). This variant is absent from general population databases (Exome Variant Server, Genome Aggregation Database), indicating it is not a common polymorphism. This variant abolishes the canonical splice donor site of intron 1, which is likely to disrupt gene function. Based on available information, this variant is considered to be pathogenic. References: Factor IX database